The following is an entry in ClinVar:

NM_001375524.1(TRRAP):c.2644A>G (p.Asn882Asp)

Gene: TRRAP (transformation/transcription domain associated protein; plus strand). Cytogenetic location: 7q22.1.
Variant type: single nucleotide variant.
Coding change: c.2644A>G on transcript NM_001375524.1 (MANE Select); coding-DNA position 2644, A replaced by G.
Protein change: p.Asn882Asp; replaces asparagine 882 with aspartic acid.
Molecular consequence: missense variant.
Genome position (GRCh38, 1-based): chr7:98,921,774, A>G. VCF-style: chr7-98921774-A-G. GRCh37 (hg19) VCF-style: chr7-98519397-A-G.
Other names: c.2644A>G, p.Asn882Asp (NM_001244580.2, NM_003496.4); short protein forms N882D.
Identifiers: ClinVar variation 2663397 (VCV002663397.2), dbSNP rs2484747911, ClinGen allele CA368293845.

ClinVar aggregate classification (germline): Uncertain significance (1 of 4 stars; one submission).

Submission:

GeneDx
Classification: Uncertain significance. Last evaluated: 2025-12-10. Review status: criteria provided, single submitter. Criteria: GeneDx Variant Classification Process June 2021. Collection method: clinical testing. Allele origin: germline.
Comment: Not observed at significant frequency in large population cohorts (gnomAD); In silico analysis supports that this missense variant has a deleterious effect on protein structure/function; Has not been previously published as pathogenic or benign to our knowledge